The following is an entry in ClinVar:

ClinVar aggregate classification (germline): Uncertain significance (1 of 4 stars; one submission).

Conditions:
Inborn genetic diseases. Identifiers: MedGen C0950123, MeSH D030342.

gnomAD v4.1: 1 of 1,613,076 alleles (0.000062%); highest among the groups gnomAD compares: Non-Finnish European, 0.000085%; no homozygotes.

Submission:

Ambry Genetics
Classification: Uncertain significance for Inborn genetic diseases. Last evaluated: 2025-02-01. Review status: criteria provided, single submitter. Criteria: Ambry Variant Classification Scheme 2023. Collection method: clinical testing. Allele origin: germline.
Comment: The p.G911V variant (also known as c.2732G>T), located in coding exon 1 of the SAMD9L gene, results from a G to T substitution at nucleotide position 2732. The glycine at codon 911 is replaced by valine, an amino acid with dissimilar properties. This amino acid position is conserved. In addition, this alteration is predicted to be tolerated by in silico analysis. Based on the available evidence, the clinical significance of this variant remains unclear.

NM_152703.5(SAMD9L):c.2732G>T (p.Gly911Val)

Gene: SAMD9L (sterile alpha motif domain containing 9 like; minus strand). Cytogenetic location: 7q21.2.
Variant type: single nucleotide variant.
Coding change: c.2732G>T on transcript NM_152703.5 (MANE Select); coding-DNA position 2732, G replaced by T.
Protein change: p.Gly911Val; replaces glycine 911 with valine.
Molecular consequence: missense variant.
Genome position (GRCh38, 1-based): chr7:93,133,240, C>A on the plus strand (G>T on the coding strand, the complement: SAMD9L is on the minus strand). VCF-style: chr7-93133240-C-A. GRCh37 (hg19) VCF-style: chr7-92762553-C-A.
Other names: c.2732G>T, p.Gly911Val (NM_001303496.3, NM_001303497.3, NM_001303498.3 and 5 more transcripts); short protein forms G911V.
Identifiers: ClinVar variation 3792376 (VCV003792376.1).
Genomic context (GRCh38, chr7:93,133,240, plus strand): 5'-TAAGAGCTGAGTAAAGCCAGGAAGGAAATGAGTTGTGCTTCCTTGCTGTCAACATCCTGT[C>A]CTTTTAGGATATTCCTGACTACATTTTCTATATATGTTTCATCAAAATTGCTTTTCATGA-3'
Protein context (NP_689916.2, residues 901-921): IENVVRNILK[Gly911Val]QDVDSKEAQL